The following is an entry in ClinVar:

ClinVar aggregate classification (germline): Uncertain significance. Review status: criteria provided, multiple submitters, no conflicts (2 of 4 stars). 3 submissions from 3 submitters: Uncertain significance (2). 1 of the submissions does not count toward it. Last evaluated 2025-07-10.

Conditions:
CASR-related disorder. Also called: CASR-related condition.
Autosomal dominant hypocalcemia 1 (HYPOC1). Also called: HYPOCALCEMIA, FAMILIAL. Identifiers: MedGen C3715128, MONDO:0011013, OMIM 601198.

Submissions (3):

PreventionGenetics, part of Exact Sciences
Classification: Uncertain significance for CASR-related condition. Last evaluated: 2025-07-10. Review status: criteria provided, single submitter. Criteria: ACMG Guidelines, 2015. Collection method: clinical testing. Allele origin: germline.
Comment: The CASR c.2495T>C variant is predicted to result in the amino acid substitution p.Ile832Thr. This variant, referred to as c.2465T>C in the alternate transcript NM_000388, has been reported in combination with a STX16 variant of uncertain significance in two siblings with hypocalcemia and/or seizures and both variants were also noted in their unaffected sibling (Badran and Chin. 2020. DOI 10.1210/jendso/bvaa046.083; Agdamag et al. 2023. DOI:10.23958/ijirms/vol08-i09/1739). This variant has also been reported in another individual who had profound hypocalcemia, developmental dyspraxia, and chronic pain and fatigue (Leach et al. 2010. Endocrine Abstracts. Vol. 24 P44). This variant has not been reported in a large population database (gnomAD), indicating this variant is rare and is classified as uncertain in ClinVar (ClinVar ID: 451182). Although we suspect this variant is pathogenic, at this time, the clinical significance of this variant is uncertain due to the absence of conclusive functional and genetic evidence.

GeneDx
Classification: Uncertain significance. Last evaluated: 2017-07-31. Review status: criteria provided, single submitter. Criteria: GeneDx Variant Classification (06012015). Collection method: clinical testing. Allele origin: germline. Affected: yes.
Comment: The I822T variant in the CASR gene has not been published as a pathogenic variant, nor has it been reported as a benign variant to our knowledge.This variant is not observed in large population cohorts (Lek et al., 2016; 1000 Genomes Consortium et al., 2015; Exome Variant Server). The I822T variant is a non-conservative amino acid substitution, which is likely to impact secondary protein structure as these residues differ in polarity, charge, size and/or other properties. This substitution occurs at a position that is conserved across species, and in silico analysis predicts this variant is probably damaging to the protein structure/function. Based on the currently available information, it is unclear whether this variant is a pathogenic variant or a rare benign variant. We consider it to be a variant of uncertain significance.

Center for Bone Health, The Children's Hospital of Philadelphia
Classification: Pathogenic for Autosomal dominant hypocalcemia 1. Last evaluated: 2020-08-03. Review status: no assertion criteria provided. Collection method: clinical testing. Allele origin: de novo. Inheritance: Sporadic. Affected: yes. Observed: 1 heterozygote. Not counted in ClinVar's aggregate classification.

NM_000388.4(CASR):c.2465T>C (p.Ile822Thr)

Gene: CASR (calcium sensing receptor; plus strand). Cytogenetic location: 3q21.1.
Variant type: single nucleotide variant.
Coding change: c.2465T>C on transcript NM_000388.4 (MANE Select); coding-DNA position 2465, T replaced by C.
Protein change: p.Ile822Thr; replaces isoleucine 822 with threonine.
Molecular consequence: missense variant.
Genome position (GRCh38, 1-based): chr3:122,284,419, T>C. VCF-style: chr3-122284419-T-C. GRCh37 (hg19) VCF-style: chr3-122003266-T-C.
Other names: c.2495T>C, p.Ile832Thr (NM_001178065.2); c.2495T>C (NM_001178065.1); short protein forms I822T, I832T.
Identifiers: ClinVar variation 451182 (VCV000451182.7), dbSNP rs1553769120, ClinGen allele CA354159866.